The following is an entry in ClinVar:

NM_138420.4(AHNAK2):c.3344C>T (p.Ala1115Val)

Gene: AHNAK2 (AHNAK nucleoprotein 2; minus strand). Cytogenetic location: 14q32.33.
Variant type: single nucleotide variant.
Coding change: c.3344C>T on transcript NM_138420.4 (MANE Select); coding-DNA position 3344, C replaced by T.
Protein change: p.Ala1115Val; replaces alanine 1115 with valine.
Molecular consequence: missense variant.
Genome position (GRCh38, 1-based): chr14:104,952,107, G>A on the plus strand (C>T on the coding strand, the complement: AHNAK2 is on the minus strand). VCF-style: chr14-104952107-G-A. GRCh37 (hg19) VCF-style: chr14-105418444-G-A.
Other names: c.3044C>T, p.Ala1015Val (NM_001350929.2); short protein forms A1015V, A1115V.
Identifiers: ClinVar variation 2590730 (VCV002590730.26), dbSNP rs112329740, ClinGen allele CA7383100.

ClinVar aggregate classification (germline): Benign/Likely benign. Review status: criteria provided, multiple submitters, no conflicts (2 of 4 stars). 2 submissions from 2 submitters: Benign (1); Likely benign (1). Last evaluated 2023-06-16.

Allele frequency attached by ClinVar (database versions not stated): gnomAD exomes 0.00014; ExAC 0.00194; 1000 Genomes Project 30x 0.00297.

Submissions (2):

Ambry Genetics
Classification: Likely benign. Last evaluated: 2023-06-16. Review status: criteria provided, single submitter. Criteria: Ambry Variant Classification Scheme 2023. Collection method: clinical testing. Allele origin: germline.

CeGaT Center for Human Genetics Tuebingen
Classification: Benign. Last evaluated: 2022-11-01. Review status: criteria provided, single submitter. Criteria: CeGaT Center For Human Genetics Tuebingen Variant Classification Criteria Version 2. Collection method: clinical testing. Allele origin: germline. Affected: yes. Observed: 1 variant allele.
Comment: AHNAK2: BS1, BS2